The following is an entry in ClinVar:

ClinVar aggregate classification (germline): Pathogenic (1 of 4 stars; one submission).

Allele frequency attached by ClinVar (database versions not stated): gnomAD exomes below 0.00001.

Submission:

Labcorp Genetics (formerly Invitae), Labcorp
Classification: Pathogenic. Last evaluated: 2022-12-06. Review status: criteria provided, single submitter. Criteria: Invitae Variant Classification Sherloc (09022015). Collection method: clinical testing. Allele origin: germline.
Comment: For these reasons, this variant has been classified as Pathogenic. This sequence change creates a premature translational stop signal (p.Trp108*) in the AGXT gene. It is expected to result in an absent or disrupted protein product. Loss-of-function variants in AGXT are known to be pathogenic (PMID: 19479957). This variant is not present in population databases (gnomAD no frequency). This premature translational stop signal has been observed in individual(s) with hyperoxaluria (PMID: 19479957).

Literature cited by the submitters: PubMed 19479957.

NM_000030.3(AGXT):c.324G>A (p.Trp108Ter)

Gene: AGXT (alanine--glyoxylate aminotransferase; plus strand). Cytogenetic location: 2q37.3.
Variant type: single nucleotide variant.
Coding change: c.324G>A on transcript NM_000030.3 (MANE Select); coding-DNA position 324, G replaced by A.
Protein change: p.Trp108Ter; replaces tryptophan 108 with a stop codon.
Molecular consequence: nonsense.
Genome position (GRCh38, 1-based): chr2:240,869,328, G>A. VCF-style: chr2-240869328-G-A. GRCh37 (hg19) VCF-style: chr2-241808745-G-A.
Other names: short protein forms W108*.
Identifiers: ClinVar variation 2777631 (VCV002777631.3), dbSNP rs796052060, ClinGen allele CA351313853.